The following is an entry in ClinVar:

ClinVar aggregate classification (germline): Pathogenic/Likely pathogenic. Review status: criteria provided, multiple submitters, no conflicts (2 of 4 stars). 5 submissions from 5 submitters: Pathogenic (2); Likely pathogenic (1). 2 of the submissions do not count toward it. Last evaluated 2023-05-23.

Conditions:
Retinal dystrophy. Also called: Inherited retinal dystrophy. Identifiers: Orphanet 71862, MedGen C0854723, MeSH D058499, MONDO:0019118, HP:0000556.
ABCA4-related disorder. Also called: ABCA4-related disorders; ABCA4-related condition. Identifiers: MedGen CN239167.
Autosomal recessive retinitis pigmentosa. Identifiers: MedGen C0339526.

Allele frequency attached by ClinVar (database versions not stated): gnomAD exomes below 0.00001; ExAC 0.00001.

Submissions (5):

Labcorp Genetics (formerly Invitae), Labcorp
Classification: Pathogenic. Last evaluated: 2023-05-23. Review status: criteria provided, single submitter. Criteria: Invitae Variant Classification Sherloc (09022015). Collection method: clinical testing. Allele origin: germline.
Comment: This variant is present in population databases (rs61750140, gnomAD 0.002%). This sequence change replaces glycine, which is neutral and non-polar, with aspartic acid, which is acidic and polar, at codon 1439 of the ABCA4 protein (p.Gly1439Asp). This missense change has been observed in individuals with ABCA4-related conditions (PMID: 9973280, 23105016; Invitae). For these reasons, this variant has been classified as Pathogenic. Experimental studies have shown that this missense change affects ABCA4 function (PMID: 32845050). Advanced modeling of protein sequence and biophysical properties (such as structural, functional, and spatial information, amino acid conservation, physicochemical variation, residue mobility, and thermodynamic stability) performed at Invitae indicates that this missense variant is expected to disrupt ABCA4 protein function. ClinVar contains an entry for this variant (Variation ID: 99275).

Blueprint Genetics
Classification: Pathogenic for ABCA4-related disorders. Last evaluated: 2022-06-07. Review status: criteria provided, single submitter. Criteria: ACMG Guidelines, 2015. Collection method: clinical testing. Allele origin: germline. Affected: yes. Observed: 3 variant alleles.

Institute of Human Genetics, Univ. Regensburg, Univ. Regensburg
Classification: Likely pathogenic for Retinal dystrophy. Last evaluated: 2020-01-01. Review status: criteria provided, single submitter. Criteria: ACMG Guidelines, 2015. Collection method: clinical testing. Allele origin: germline. Affected: yes.

Faculty of Health Sciences, Beirut Arab University
Classification: Pathogenic for Autosomal recessive Retinitis Pigmentosa. Last evaluated: 2012-10-26. Review status: no assertion criteria provided. Collection method: literature only. Allele origin: germline. Affected: yes. Observed: 2 variant alleles. Not counted in ClinVar's aggregate classification.

Retina International
No classification provided. Review status: no classification provided. Collection method: not provided. Allele origin: not provided. Not counted in ClinVar's aggregate classification.

Literature cited by the submitters: PubMed 9973280 (cited by Labcorp Genetics (formerly Invitae), Labcorp and Institute of Human Genetics, Univ. Regensburg, Univ. Regensburg); PubMed 23105016 (cited by 3 submitters); PubMed 32845050 (cited by Labcorp Genetics (formerly Invitae), Labcorp and Institute of Human Genetics, Univ. Regensburg, Univ. Regensburg); PubMed 25525159 (cited by Institute of Human Genetics, Univ. Regensburg, Univ. Regensburg); PubMed 31964843 (cited by Institute of Human Genetics, Univ. Regensburg, Univ. Regensburg); PubMed 32307445 (cited by Institute of Human Genetics, Univ. Regensburg, Univ. Regensburg); PubMed 36460718 (cited by Institute of Human Genetics, Univ. Regensburg, Univ. Regensburg).

NM_000350.3(ABCA4):c.4316G>A (p.Gly1439Asp)

Gene: ABCA4 (ATP binding cassette subfamily A member 4; minus strand). Cytogenetic location: 1p22.1.
Variant type: single nucleotide variant.
Coding change: c.4316G>A on transcript NM_000350.3 (MANE Select); coding-DNA position 4316, G replaced by A.
Protein change: p.Gly1439Asp; replaces glycine 1439 with aspartic acid.
Molecular consequence: missense variant.
Genome position (GRCh38, 1-based): chr1:94,030,464, C>T on the plus strand (G>A on the coding strand, the complement: ABCA4 is on the minus strand). VCF-style: chr1-94030464-C-T. GRCh37 (hg19) VCF-style: chr1-94496020-C-T.
Other names: c.4094G>A, p.Gly1365Asp (NM_001425324.1); short protein forms G1439D, G1365D.
Identifiers: ClinVar variation 99275 (VCV000099275.11), dbSNP rs61750140, ClinGen allele CA227182.